The following is an entry in ClinVar:

ClinVar aggregate classification (germline): Uncertain significance (1 of 4 stars; one submission).

Allele frequency attached by ClinVar (database versions not stated): gnomAD exomes below 0.00001; TOPMed below 0.00001; ExAC 0.00003.

Submission:

GeneDx
Classification: Uncertain significance. Last evaluated: 2022-01-28. Review status: criteria provided, single submitter. Criteria: GeneDx Variant Classification Process June 2021. Collection method: clinical testing. Allele origin: germline. Affected: yes.
Comment: Not observed at a significant frequency in large population cohorts (gnomAD); In silico analysis supports that this missense variant has a deleterious effect on protein structure/function; Has not been previously published as pathogenic or benign to our knowledge

NM_024079.5(ALG8):c.719C>T (p.Ser240Phe)

Gene: ALG8 (ALG8 alpha-1,3-glucosyltransferase; minus strand). Cytogenetic location: 11q14.1.
Variant type: single nucleotide variant.
Coding change: c.719C>T on transcript NM_024079.5 (MANE Select); coding-DNA position 719, C replaced by T.
Protein change: p.Ser240Phe; replaces serine 240 with phenylalanine.
Molecular consequence: missense variant.
Genome position (GRCh38, 1-based): chr11:78,113,944, G>A on the plus strand (C>T on the coding strand, the complement: ALG8 is on the minus strand). VCF-style: chr11-78113944-G-A. GRCh37 (hg19) VCF-style: chr11-77824990-G-A.
Other names: c.719C>T, p.Ser240Phe (NM_001007027.3); short protein forms S240F.
Identifiers: ClinVar variation 1191761 (VCV001191761.4), dbSNP rs769865988, ClinGen allele CA6203360.